The following is an entry in ClinVar:

ClinVar aggregate classification (germline): Pathogenic. Review status: criteria provided, multiple submitters, no conflicts (2 of 4 stars). 2 submissions from 2 submitters: Pathogenic (2). Last evaluated 2022-12-13.

Conditions:
Carney complex, type 1 (CNC1). Also called: CARNEY MYXOMA-ENDOCRINE COMPLEX; CARNEY COMPLEX, TYPE I. Identifiers: Orphanet 1359, MedGen C2607929, MONDO:0008057, OMIM 160980.

Submissions (2):

GeneDx
Classification: Pathogenic. Last evaluated: 2022-12-13. Review status: criteria provided, single submitter. Criteria: GeneDx Variant Classification Process June 2021. Collection method: clinical testing. Allele origin: germline. Affected: yes.
Comment: Frameshift variant predicted to result in protein truncation or nonsense mediated decay in a gene for which loss of function is a known mechanism of disease; Not observed at significant frequency in large population cohorts (gnomAD); This variant is associated with the following publications: (PMID: 19293268)

Labcorp Genetics (formerly Invitae), Labcorp
Classification: Pathogenic for Carney complex, type 1. Last evaluated: 2018-05-17. Review status: criteria provided, single submitter. Criteria: Invitae Variant Classification Sherloc (09022015). Collection method: clinical testing. Allele origin: germline.
Comment: For these reasons, this variant has been classified as Pathogenic. Loss-of-function variants in PRKAR1A are known to be pathogenic (PMID: 11115848, 19293268). This variant has been observed in an individual with Carney complex (PMID: 20358582). This variant is not present in population databases (ExAC no frequency). This sequence change creates a premature translational stop signal (p.Leu271Phefs*7) in the PRKAR1A gene. It is expected to result in an absent or disrupted protein product.

Literature cited by the submitters: PubMed 11115848 (cited by Labcorp Genetics (formerly Invitae), Labcorp); PubMed 19293268 (cited by Labcorp Genetics (formerly Invitae), Labcorp); PubMed 20358582 (cited by Labcorp Genetics (formerly Invitae), Labcorp).

NM_002734.5(PRKAR1A):c.812dup (p.Leu271fs)

Gene: PRKAR1A (protein kinase cAMP-dependent type I regulatory subunit alpha; plus strand). Cytogenetic location: 17q24.2.
Variant type: Duplication.
Coding change: c.812dup on transcript NM_002734.5 (MANE Select); coding-DNA position 812, one base duplicated (T; older notation c.812dupT).
Protein change: p.Leu271fs; shifts the reading frame from leucine 271.
Molecular consequence: frameshift variant.
Genome position (GRCh38, 1-based): chr17:68,528,912, T duplicated; the last of 2 consecutive T bases (chr17:68,528,911-68,528,912); duplicating either gives the same sequence. VCF-style (leftmost placement, unchanged base first): chr17-68528910-A-AT. GRCh37 (hg19) VCF-style: chr17-66525051-A-AT.
Other names: c.812dup, p.Leu271fs (NM_001276289.2, NM_001276290.1, NM_001278433.2 and 4 more transcripts); c.812dupT (NM_002734.4); short protein forms L271fs.
Identifiers: ClinVar variation 574526 (VCV000574526.9), dbSNP rs1568701362, ClinGen allele CA891844464.